The following is an entry in ClinVar:

NM_015331.3(NCSTN):c.1101+13T>C

Gene: NCSTN (nicastrin; plus strand). Cytogenetic location: 1q23.2.
Variant type: single nucleotide variant.
Coding change: c.1101+13T>C on transcript NM_015331.3 (MANE Select); 13 bases into the intron after coding-DNA position 1101, T replaced by C.
Molecular consequence: intron variant.
Genome position (GRCh38, 1-based): chr1:160,353,004, T>C. VCF-style: chr1-160353004-T-C. GRCh37 (hg19) VCF-style: chr1-160322794-T-C.
Other names: c.1041+13T>C (NM_001290184.2); c.1101+13T>C (NM_001349729.2); c.687+13T>C (NM_001290186.2).
Identifiers: ClinVar variation 1167236 (VCV001167236.35), dbSNP rs41266885, ClinGen allele CA1198890.
Genomic context (GRCh38, chr1:160,353,004, plus strand): 5'-TTTCCCGTGCAGTTAGAGAATGTTGACTCATTTGTGGAGCTGGGACAGGTATGTGGCATG[T>C]CCCCCAGCCCCTTCCTTTTTAATTAAATCTTCCTCCTTTGTTGTTCTGCGGTCTTAACTG-3'

ClinVar aggregate classification (germline): Benign/Likely benign. Review status: criteria provided, multiple submitters, no conflicts (2 of 4 stars). 4 submissions from 4 submitters: Benign (3); Likely benign (1). Last evaluated 2026-08-01.

Conditions:
Acne inversa, familial, 1. Identifiers: MedGen C4551962, MONDO:0007728, OMIM 142690.

Allele frequency attached by ClinVar (database versions not stated): 1000 Genomes Project 30x 0.00734; ESP Exome Variant Server 0.00769; TOPMed 0.00838; ExAC 0.00898; gnomAD 0.00906 and 0.00907; gnomAD exomes 0.00915 and 0.01092; 1000 Genomes Project 0.01258.
gnomAD v4.1: 17,219 of 1,607,836 alleles (1.1%); highest among the groups gnomAD compares: Non-Finnish European, 1.2%; 116 homozygotes.

Submissions (4):

CeGaT Center for Human Genetics Tuebingen
Classification: Benign. Last evaluated: 2026-08-01. Review status: criteria provided, single submitter. Criteria: CeGaT Center For Human Genetics Tuebingen Variant Classification Criteria Version 2. Collection method: clinical testing. Allele origin: germline. Affected: yes. Observed: 2 variant alleles.
Comment: NCSTN: BS1, BS2

Labcorp Genetics (formerly Invitae), Labcorp
Classification: Benign. Last evaluated: 2026-02-02. Review status: criteria provided, single submitter. Criteria: Invitae Variant Classification Sherloc (09022015). Collection method: clinical testing. Allele origin: germline.

Fulgent Genetics
Classification: Likely benign for Acne inversa, familial, 1. Last evaluated: 2022-02-07. Review status: criteria provided, single submitter. Criteria: ACMG Guidelines, 2015. Collection method: clinical testing. Allele origin: unknown.

Breakthrough Genomics
Classification: Benign. Review status: criteria provided, single submitter. Criteria: ACMG Guidelines, 2015. Collection method: not provided. Allele origin: germline. Inheritance: Autosomal dominant inheritance. Affected: yes.